The following is an entry in ClinVar:

NM_147127.5(EVC2):c.550C>G (p.Arg184Gly)

Gene: EVC2 (EvC ciliary complex subunit 2; minus strand). Cytogenetic location: 4p16.2.
Variant type: single nucleotide variant.
Coding change: c.550C>G on transcript NM_147127.5 (MANE Select); coding-DNA position 550, C replaced by G.
Protein change: p.Arg184Gly; replaces arginine 184 with glycine.
Molecular consequence: missense variant.
Genome position (GRCh38, 1-based): chr4:5,689,313, G>C on the plus strand (C>G on the coding strand, the complement: EVC2 is on the minus strand). VCF-style: chr4-5689313-G-C. GRCh37 (hg19) VCF-style: chr4-5691040-G-C.
Other names: c.310C>G, p.Arg104Gly (NM_001166136.2); short protein forms R184G, R104G.
Identifiers: ClinVar variation 1966280 (VCV001966280.5), dbSNP rs773218631, ClinGen allele CA356148659.

ClinVar aggregate classification (germline): Uncertain significance (1 of 4 stars; one submission).

Conditions:
Ellis-van Creveld syndrome (EVC). Also called: EVC-Related Ellis-van Creveld Syndrome; EVC2-Related Ellis-van Creveld Syndrome; Chondroectodermal dysplasia; MESOECTODERMAL DYSPLASIA. Identifiers: Orphanet 289, MedGen C0013903, MONDO:0009162, OMIM 225500.
Curry-Hall syndrome (WAD). Also called: WEYERS ACRODENTAL DYSOSTOSIS. Identifiers: Orphanet 952, MedGen C0457013, MONDO:0008673, OMIM 193530.

gnomAD v4.1: 1 of 1,614,104 alleles (0.000062%); no homozygotes.

Submission:

Labcorp Genetics (formerly Invitae), Labcorp
Classification: Uncertain significance for Curry-Hall syndrome; Ellis-van Creveld syndrome. Last evaluated: 2022-02-27. Review status: criteria provided, single submitter. Criteria: Invitae Variant Classification Sherloc (09022015). Collection method: clinical testing. Allele origin: germline.
Comment: This sequence change replaces arginine, which is basic and polar, with glycine, which is neutral and non-polar, at codon 184 of the EVC2 protein (p.Arg184Gly). In summary, the available evidence is currently insufficient to determine the role of this variant in disease. Therefore, it has been classified as a Variant of Uncertain Significance. Algorithms developed to predict the effect of missense changes on protein structure and function (SIFT, PolyPhen-2, Align-GVGD) all suggest that this variant is likely to be tolerated. This variant has not been reported in the literature in individuals affected with EVC2-related conditions. This variant is not present in population databases (gnomAD no frequency).